The following is an entry in ClinVar:

NM_152515.5(CKAP2L):c.1385A>T (p.Glu462Val)

Gene: CKAP2L (cytoskeleton associated protein 2 like; minus strand). Cytogenetic location: 2q14.1.
Variant type: single nucleotide variant.
Coding change: c.1385A>T on transcript NM_152515.5 (MANE Select); coding-DNA position 1385, A replaced by T.
Protein change: p.Glu462Val; replaces glutamic acid 462 with valine.
Molecular consequence: missense variant. On other transcripts: non-coding transcript variant (1).
Genome position (GRCh38, 1-based): chr2:112,755,986, T>A on the plus strand (A>T on the coding strand, the complement: CKAP2L is on the minus strand). VCF-style: chr2-112755986-T-A. GRCh37 (hg19) VCF-style: chr2-113513563-T-A.
Other names: c.890A>T, p.Glu297Val (NM_001304361.2); c.1385A>T (NM_152515.4); short protein forms E297V, E462V.
Identifiers: ClinVar variation 1030263 (VCV001030263.4), dbSNP rs748992677, ClinGen allele CA1836672.

ClinVar aggregate classification (germline): Uncertain significance. Review status: criteria provided, multiple submitters, no conflicts (2 of 4 stars). 3 submissions from 3 submitters: Uncertain significance (3). Last evaluated 2025-01-03.

Conditions:
Filippi syndrome (FLPIS). Identifiers: Orphanet 3255, MedGen C0795940, MONDO:0010092, OMIM 272440.
Inborn genetic diseases. Identifiers: MedGen C0950123, MeSH D030342.

Allele frequency attached by ClinVar (database versions not stated): gnomAD 0.00010; gnomAD exomes 0.00016 and 0.00007; TOPMed 0.00015; ExAC 0.00008.
gnomAD v4.1: 55 of 1,573,762 alleles (0.0035%); highest among the groups gnomAD compares: Admixed American, 0.11%; no homozygotes.

Submissions (3):

GeneDx
Classification: Uncertain significance. Last evaluated: 2025-01-03. Review status: criteria provided, single submitter. Criteria: GeneDx Variant Classification Process June 2021. Collection method: clinical testing. Allele origin: germline. Affected: yes.
Comment: In silico analysis supports that this missense variant has a deleterious effect on protein structure/function; Has not been previously published as pathogenic or benign to our knowledge

Ambry Genetics
Classification: Uncertain significance for Inborn genetic diseases. Last evaluated: 2022-10-31. Review status: criteria provided, single submitter. Criteria: Ambry Variant Classification Scheme 2023. Collection method: clinical testing. Allele origin: germline.

Baylor Genetics
Classification: Uncertain significance for Filippi syndrome. Last evaluated: 2019-06-17. Review status: criteria provided, single submitter. Criteria: ACMG Guidelines, 2015. Collection method: clinical testing. Allele origin: unknown. Affected: yes.
Comment: This variant was determined to be of uncertain significance according to ACMG Guidelines, 2015 [PMID:25741868].